The following is an entry in ClinVar:

ClinVar aggregate classification (germline): Uncertain significance (1 of 4 stars; one submission).

Allele frequency attached by ClinVar (database versions not stated): TOPMed below 0.00001.

Submission:

Labcorp Genetics (formerly Invitae), Labcorp
Classification: Uncertain significance. Last evaluated: 2022-08-23. Review status: criteria provided, single submitter. Criteria: Invitae Variant Classification Sherloc (09022015). Collection method: clinical testing. Allele origin: germline.
Comment: Algorithms developed to predict the effect of missense changes on protein structure and function (SIFT, PolyPhen-2, Align-GVGD) all suggest that this variant is likely to be disruptive. In summary, the available evidence is currently insufficient to determine the role of this variant in disease. Therefore, it has been classified as a Variant of Uncertain Significance. This sequence change replaces tyrosine, which is neutral and polar, with cysteine, which is neutral and slightly polar, at codon 2158 of the CAD protein (p.Tyr2158Cys). This variant is not present in population databases (gnomAD no frequency). This variant has not been reported in the literature in individuals affected with CAD-related conditions. ClinVar contains an entry for this variant (Variation ID: 1447789).

NM_004341.5(CAD):c.6473A>G (p.Tyr2158Cys)

Genes: CAD (carbamoyl-phosphate synthetase 2, aspartate transcarbamylase, and dihydroorotase; plus strand), LOC126806172 (CDK7 strongly-dependent group 2 enhancer GRCh37_chr2:27465505-27466704; plus strand). Cytogenetic location: 2p23.3.
Variant type: single nucleotide variant.
Coding change: c.6473A>G on transcript NM_004341.5 (MANE Select); coding-DNA position 6473, A replaced by G.
Protein change: p.Tyr2158Cys; replaces tyrosine 2158 with cysteine.
Molecular consequence: missense variant.
Genome position (GRCh38, 1-based): chr2:27,242,966, A>G. VCF-style: chr2-27242966-A-G. GRCh37 (hg19) VCF-style: chr2-27465834-A-G.
Other names: c.6284A>G, p.Tyr2095Cys (NM_001306079.2); short protein forms Y2158C, Y2095C.
Identifiers: ClinVar variation 1447789 (VCV001447789.8), dbSNP rs1676393911, ClinGen allele CA346225130.